The following is an entry in ClinVar:

NM_006899.5(IDH3B):c.17G>T (p.Gly6Val)

Gene: IDH3B (isocitrate dehydrogenase (NAD(+)) 3 non-catalytic subunit beta; minus strand). Cytogenetic location: 20p13.
Variant type: single nucleotide variant.
Coding change: c.17G>T on transcript NM_006899.5 (MANE Select); coding-DNA position 17, G replaced by T.
Protein change: p.Gly6Val; replaces glycine 6 with valine.
Molecular consequence: missense variant. On other transcripts: non-coding transcript variant (1).
Genome position (GRCh38, 1-based): chr20:2,664,172, C>A on the plus strand (G>T on the coding strand, the complement: IDH3B is on the minus strand). VCF-style: chr20-2664172-C-A. GRCh37 (hg19) VCF-style: chr20-2644818-C-A.
Other names: c.17G>T, p.Gly6Val (NM_001258384.3, NM_001330763.2, NM_174855.4); short protein forms G6V.
Identifiers: ClinVar variation 1014597 (VCV001014597.7), dbSNP rs771976179, ClinGen allele CA9735472.

ClinVar aggregate classification (germline): Uncertain significance (1 of 4 stars; one submission).

gnomAD v4.1: 31 of 1,613,632 alleles (0.0019%); highest among the groups gnomAD compares: Non-Finnish European, 0.0025%; no homozygotes.

Submission:

Labcorp Genetics (formerly Invitae), Labcorp
Classification: Uncertain significance. Last evaluated: 2020-03-14. Review status: criteria provided, single submitter. Criteria: Invitae Variant Classification Sherloc (09022015). Collection method: clinical testing. Allele origin: germline.
Comment: In summary, the available evidence is currently insufficient to determine the role of this variant in disease. Therefore, it has been classified as a Variant of Uncertain Significance. Algorithms developed to predict the effect of missense changes on protein structure and function are either unavailable or do not agree on the potential impact of this missense change (SIFT: "Not Available"; PolyPhen-2: "Benign"; Align-GVGD: "Not Available"). This variant has not been reported in the literature in individuals with IDH3B-related conditions. This variant is present in population databases (rs771976179, ExAC 0.002%). This sequence change replaces glycine with valine at codon 6 of the IDH3B protein (p.Gly6Val). The glycine residue is weakly conserved and there is a moderate physicochemical difference between glycine and valine.